The following is an entry in ClinVar:

NM_022042.4(SLC26A1):c.1549G>A (p.Gly517Arg)

Genes: IDUA (alpha-L-iduronidase; plus strand), SLC26A1 (solute carrier family 26 member 1; minus strand). Cytogenetic location: 4p16.3.
Variant type: single nucleotide variant.
Coding change: c.1549G>A on transcript NM_022042.4 (MANE Select); coding-DNA position 1549, G replaced by A.
Protein change: p.Gly517Arg; replaces glycine 517 with arginine.
Molecular consequence: missense variant. On other transcripts: intron variant (2).
Genome position (GRCh38, 1-based): chr4:989,390, C>T on the plus strand (G>A on the coding strand, the complement: SLC26A1 is on the minus strand). VCF-style: chr4-989390-C-T. GRCh37 (hg19) VCF-style: chr4-983178-C-T.
Other names: c.1549G>A, p.Gly517Arg (NM_213613.4); c.576+1738G>A (NM_134425.4); c.299+1441C>T (NM_000203.5); short protein forms G517R.
Identifiers: ClinVar variation 445364 (VCV000445364.20), dbSNP rs187110381, ClinGen allele CA2801351.

ClinVar aggregate classification (germline): Benign/Likely benign. Review status: criteria provided, multiple submitters, no conflicts (2 of 4 stars). 5 submissions from 5 submitters: Benign (1); Likely benign (3). 1 of the submissions does not count toward it. Last evaluated 2026-01-24.

Conditions:
SLC26A1-related disorder. Also called: SLC26A1-related condition.

Allele frequency attached by ClinVar (database versions not stated): 1000 Genomes Project 0.00300; ESP Exome Variant Server 0.00305; gnomAD 0.00386; TOPMed 0.00388; 1000 Genomes Project 30x 0.00406.
gnomAD v4.1: 1,058 of 1,569,488 alleles (0.067%); highest among the groups gnomAD compares: African/African-American, 1.3%; 5 homozygotes.

Submissions (5):

Labcorp Genetics (formerly Invitae), Labcorp
Classification: Benign. Last evaluated: 2026-01-24. Review status: criteria provided, single submitter. Criteria: Invitae Variant Classification Sherloc (09022015). Collection method: clinical testing. Allele origin: germline.

CeGaT Center for Human Genetics Tuebingen
Classification: Likely benign. Last evaluated: 2025-07-01. Review status: criteria provided, single submitter. Criteria: CeGaT Center For Human Genetics Tuebingen Variant Classification Criteria Version 2. Collection method: clinical testing. Allele origin: germline. Affected: yes. Observed: 1 variant allele.
Comment: SLC26A1: BP4, BS1

Center for Pediatric Genomic Medicine, Children's Mercy Hospital and Clinics
Classification: Likely benign. Last evaluated: 2017-02-27. Review status: criteria provided, single submitter. Criteria: ACMG Guidelines, 2015. Collection method: clinical testing. Allele origin: germline.

Breakthrough Genomics
Classification: Likely benign. Review status: criteria provided, single submitter. Criteria: ACMG Guidelines, 2015. Collection method: not provided. Allele origin: germline. Inheritance: Autosomal recessive inheritance. Affected: yes.

PreventionGenetics, part of Exact Sciences
Classification: Benign for SLC26A1-related condition. Last evaluated: 2019-05-15. Review status: no assertion criteria provided. Collection method: clinical testing. Allele origin: germline. Not counted in ClinVar's aggregate classification.
Comment: This variant is classified as benign based on ACMG/AMP sequence variant interpretation guidelines (Richards et al. 2015 PMID: 25741868, with internal and published modifications).